The following is an entry in ClinVar:

ClinVar aggregate classification (germline): Conflicting classifications of pathogenicity. Review status: criteria provided, conflicting classifications (1 of 4 stars). 3 submissions from 3 submitters: Uncertain significance (2); Likely benign (1). Last evaluated 2025-12-23.

Conditions:
Hereditary cancer-predisposing syndrome. Also called: Neoplastic Syndromes, Hereditary; Hereditary neoplastic syndrome; Tumor predisposition; Hereditary Cancer Syndrome. Identifiers: Orphanet 140162, MedGen C0027672, MeSH D009386, MONDO:0015356.
Familial cancer of breast. Also called: Hereditary breast cancer; hereditary breast carcinoma; BREAST CANCER, FAMILIAL. Identifiers: Orphanet 227535, MedGen C0346153, MONDO:0016419, OMIM 114480. Disease mechanism: loss of function.
Fanconi anemia complementation group J. Also called: BRIP1-Related Fanconi Anemia. Identifiers: Orphanet 84, MedGen C1836860, MONDO:0012187, OMIM 609054.

Allele frequency attached by ClinVar (database versions not stated): TOPMed below 0.00001.
gnomAD v4.1: 2 of 1,614,102 alleles (0.00012%); highest among the groups gnomAD compares: South Asian, 0.0022%; no homozygotes.

Submissions (3):

Dasa
Classification: Uncertain significance. Last evaluated: 2025-12-23. Review status: criteria provided, single submitter. Criteria: DASA Assertion Criteria. Collection method: clinical testing. Allele origin: germline.
Comment: NM_032043.3(BRIP1):c.3089C>T (p.Ala1030Val) is a missense variant that results in the substitution of alanine with valine. This variant is rare in population databases. The currently available literature and clinical evidence are not sufficient to establish a definitive association between this variant and the reported condition. Therefore, this variant is classified as a variant of uncertain significance.

Labcorp Genetics (formerly Invitae), Labcorp
Classification: Uncertain significance for Familial cancer of breast; Fanconi anemia complementation group J. Last evaluated: 2022-11-11. Review status: criteria provided, single submitter. Criteria: Invitae Variant Classification Sherloc (09022015). Collection method: clinical testing. Allele origin: germline.
Comment: This sequence change replaces alanine, which is neutral and non-polar, with valine, which is neutral and non-polar, at codon 1030 of the BRIP1 protein (p.Ala1030Val). This variant is present in population databases (rs767255426, gnomAD 0.003%). This variant has not been reported in the literature in individuals affected with BRIP1-related conditions. ClinVar contains an entry for this variant (Variation ID: 861475). Algorithms developed to predict the effect of missense changes on protein structure and function output the following: SIFT: "Deleterious"; PolyPhen-2: "Benign"; Align-GVGD: "Class C0". The valine amino acid residue is found in multiple mammalian species, which suggests that this missense change does not adversely affect protein function. In summary, the available evidence is currently insufficient to determine the role of this variant in disease. Therefore, it has been classified as a Variant of Uncertain Significance.

Ambry Genetics
Classification: Likely benign for Hereditary cancer-predisposing syndrome. Last evaluated: 2020-03-25. Review status: criteria provided, single submitter. Criteria: Ambry Variant Classification Scheme 2023. Collection method: clinical testing. Allele origin: germline.

NM_032043.3(BRIP1):c.3089C>T (p.Ala1030Val)

Gene: BRIP1 (BRCA1 interacting DNA helicase 1; minus strand). Cytogenetic location: 17q23.2.
Variant type: single nucleotide variant.
Coding change: c.3089C>T on transcript NM_032043.3 (MANE Select); coding-DNA position 3089, C replaced by T.
Protein change: p.Ala1030Val; replaces alanine 1030 with valine.
Molecular consequence: missense variant.
Genome position (GRCh38, 1-based): chr17:61,683,957, G>A on the plus strand (C>T on the coding strand, the complement: BRIP1 is on the minus strand). VCF-style: chr17-61683957-G-A. GRCh37 (hg19) VCF-style: chr17-59761318-G-A.
Other names: short protein forms A1030V.
Identifiers: ClinVar variation 861475 (VCV000861475.15), dbSNP rs767255426, ClinGen allele CA8690397.
Genomic context (GRCh38, chr17:61,683,957, plus strand): 5'-GTGAAGGGCAAAACAGTTTTACTTTCCATCTTCTCTGTTTTGAAACGGGGAGGACTAGAG[G>A]CACTATTCTCTGATGACCCGAGCTCAGGTGTTGCCTTCGGTATTTTACCAGTAAAATACT-3'
Protein context (NP_114432.2, residues 1020-1040): TPELGSSENS[Ala1030Val]SSPPRFKTEK